The following is an entry in ClinVar:

NM_005559.4(LAMA1):c.6357C>T (p.Ala2119=)

Gene: LAMA1 (laminin subunit alpha 1; minus strand). Cytogenetic location: 18p11.31.
Variant type: single nucleotide variant.
Coding change: c.6357C>T on transcript NM_005559.4 (MANE Select); coding-DNA position 6357, C replaced by T.
Protein change: p.Ala2119=; no amino-acid change (alanine 2119 retained).
Molecular consequence: synonymous variant.
Genome position (GRCh38, 1-based): chr18:6,976,069, G>A on the plus strand (C>T on the coding strand, the complement: LAMA1 is on the minus strand). VCF-style: chr18-6976069-G-A. GRCh37 (hg19) VCF-style: chr18-6976068-G-A.
Identifiers: ClinVar variation 1594004 (VCV001594004.33), dbSNP rs148287322, ClinGen allele CA8881261.

ClinVar aggregate classification (germline): Likely benign. Review status: criteria provided, multiple submitters, no conflicts (2 of 4 stars). 3 submissions from 3 submitters: Likely benign (3). Last evaluated 2025-08-07.

Allele frequency attached by ClinVar (database versions not stated): ESP Exome Variant Server 0.00008; TOPMed 0.00014.
gnomAD v4.1: 89 of 1,613,932 alleles (0.0055%); highest among the groups gnomAD compares: Middle Eastern, 0.18%; no homozygotes.

Submissions (3):

Labcorp Genetics (formerly Invitae), Labcorp
Classification: Likely benign. Last evaluated: 2025-08-07. Review status: criteria provided, single submitter. Criteria: Invitae Variant Classification Sherloc (09022015). Collection method: clinical testing. Allele origin: germline.

Blueprint Genetics
Classification: Likely benign. Last evaluated: 2024-07-31. Review status: criteria provided, single submitter. Criteria: ACMG Guidelines, 2015. Collection method: clinical testing. Allele origin: germline.

CeGaT Center for Human Genetics Tuebingen
Classification: Likely benign. Last evaluated: 2022-12-01. Review status: criteria provided, single submitter. Criteria: CeGaT Center For Human Genetics Tuebingen Variant Classification Criteria Version 2. Collection method: clinical testing. Allele origin: germline. Affected: yes. Observed: 2 variant alleles.
Comment: LAMA1: BP4, BP7